The following is an entry in ClinVar:

ClinVar aggregate classification (germline): Conflicting classifications of pathogenicity. Review status: criteria provided, conflicting classifications (1 of 4 stars). 7 submissions from 7 submitters: Likely pathogenic (1); Uncertain significance (6). Last evaluated 2025-06-06.

Conditions:
Idiopathic Pulmonary Fibrosis. Also called: Idiopathic fibrosing alveolitis, chronic form; idiopathic fibrosing alveolitis. Identifiers: Orphanet 2032, MedGen C1800706, MeSH D054990, MONDO:0800504.
Dyskeratosis congenita, autosomal dominant 2. Identifiers: MedGen C3151443, MONDO:0013521, OMIM 613989.
Pulmonary fibrosis and/or bone marrow failure, Telomere-related, 1. Also called: PULMONARY FIBROSIS AND/OR BONE MARROW FAILURE SYNDROME, TELOMERE-RELATED, 1. Identifiers: Orphanet 88, MedGen C3553617, MONDO:0013878, OMIM 614742.
TERT-related disorder. Also called: TERT-related disorders; TERT-related condition.

Allele frequency attached by ClinVar (database versions not stated): gnomAD exomes 0.00001.

Submissions (7):

GeneDx
Classification: Uncertain significance. Last evaluated: 2025-06-06. Review status: criteria provided, single submitter. Criteria: GeneDx Variant Classification Process June 2021. Collection method: clinical testing. Allele origin: germline. Affected: yes.
Comment: Not observed at significant frequency in large population cohorts (gnomAD); In silico analysis supports that this missense variant has a deleterious effect on protein structure/function; This variant is associated with the following publications: (PMID: 21931702, 33709208)

Labcorp Genetics (formerly Invitae), Labcorp
Classification: Uncertain significance for Dyskeratosis congenita, autosomal dominant 2; Idiopathic Pulmonary Fibrosis. Last evaluated: 2025-03-18. Review status: criteria provided, single submitter. Criteria: Invitae Variant Classification Sherloc (09022015). Collection method: clinical testing. Allele origin: germline.
Comment: This sequence change replaces aspartic acid, which is acidic and polar, with asparagine, which is neutral and polar, at codon 718 of the TERT protein (p.Asp718Asn). This variant is not present in population databases (gnomAD no frequency). This missense change has been observed in individual(s) with TERT-related conditions (PMID: 21931702). ClinVar contains an entry for this variant (Variation ID: 1433750). Invitae Evidence Modeling of protein sequence and biophysical properties (such as structural, functional, and spatial information, amino acid conservation, physicochemical variation, residue mobility, and thermodynamic stability) indicates that this missense variant is expected to disrupt TERT protein function with a positive predictive value of 95%. Experimental studies have shown that this missense change affects TERT function (PMID: 21931702). In summary, the available evidence is currently insufficient to determine the role of this variant in disease. Therefore, it has been classified as a Variant of Uncertain Significance.

Genomic Medicine Center of Excellence, King Faisal Specialist Hospital and Research Centre
Classification: Uncertain significance for Pulmonary fibrosis and/or bone marrow failure, Telomere-related, 1. Last evaluated: 2024-12-19. Review status: criteria provided, single submitter. Criteria: ACMG Guidelines, 2015. Collection method: clinical testing. Allele origin: germline.

Women's Health and Genetics/Laboratory Corporation of America, LabCorp
Classification: Uncertain significance. Last evaluated: 2024-09-03. Review status: criteria provided, single submitter. Criteria: LabCorp Variant Classification Summary - May 2015. Collection method: clinical testing. Allele origin: germline.
Comment: Variant summary: TERT c.2152G>A (p.Asp718Asn) results in a conservative amino acid change located in the Reverse transcriptase domain (IPR000477) of the encoded protein sequence. Four of five in-silico tools predict a damaging effect of the variant on protein function. The variant was absent in 251392 control chromosomes (gnomAD). The available data on variant occurrences in the general population are insufficient to allow any conclusion about variant significance. c.2152G>A has been reported in the literature in at least one individual affected with Dyskeratosis congenita (Vulliamy_2011). The report does not provide unequivocal conclusions about association of the variant with Dyskeratosis congenita. To our knowledge, no experimental evidence demonstrating an impact on protein function has been reported. The following publications have been ascertained in the context of this evaluation (PMID: 31213647, 33709208, 21931702). ClinVar contains an entry for this variant (Variation ID: 1433750). Based on the evidence outlined above, the variant was classified as uncertain significance.

Mayo Clinic Laboratories, Mayo Clinic
Classification: Uncertain significance. Last evaluated: 2023-01-12. Review status: criteria provided, single submitter. Criteria: ACMG Guidelines, 2015. Collection method: clinical testing. Allele origin: germline. Observed: 1 variant allele.
Comment: PP2, PP4, PM1, PM2_supporting, PS4_supporting

Blueprint Genetics
Classification: Likely pathogenic for TERT-related disorders. Last evaluated: 2022-06-24. Review status: criteria provided, single submitter. Criteria: ACMG Guidelines, 2015. Collection method: clinical testing. Allele origin: germline. Affected: yes. Observed: 1 variant allele.

Johns Hopkins Genomics, Johns Hopkins University
Classification: Uncertain significance for Pulmonary fibrosis and/or bone marrow failure, Telomere-related, 1. Last evaluated: 2022-05-20. Review status: criteria provided, single submitter. Criteria: ACMG Guidelines, 2015. Collection method: clinical testing. Allele origin: germline.
Comment: This TERT variant has been reported in the literature in individuals with TERT-related conditions. The variant is absent from a large population dataset and has been reported in ClinVar (Variation ID 1433750). Three bioinformatic tools queried predict that this substitution would be deleterious, and the aspartic acid residue at this position is evolutionarily conserved across all species assessed6. Functional studies support that this variant modestly impacts protein function. We consider the clinical significance of c.2152G>A in TERT to be uncertain at this time.

Literature cited by the submitters: PubMed 21931702 (cited by 4 submitters); PubMed 33709208 (cited by Women's Health and Genetics/Laboratory Corporation of America, LabCorp); PubMed 31213647 (cited by Women's Health and Genetics/Laboratory Corporation of America, LabCorp).

NM_198253.3(TERT):c.2152G>A (p.Asp718Asn)

Gene: TERT (telomerase reverse transcriptase; minus strand). Cytogenetic location: 5p15.33.
Variant type: single nucleotide variant.
Coding change: c.2152G>A on transcript NM_198253.3 (MANE Select); coding-DNA position 2152, G replaced by A.
Protein change: p.Asp718Asn; replaces aspartic acid 718 with asparagine.
Molecular consequence: missense variant. On other transcripts: non-coding transcript variant (1).
Genome position (GRCh38, 1-based): chr5:1,278,775, C>T on the plus strand (G>A on the coding strand, the complement: TERT is on the minus strand). VCF-style: chr5-1278775-C-T. GRCh37 (hg19) VCF-style: chr5-1278890-C-T.
Other names: p.Asp718Asn; c.2152G>A, p.Asp718Asn (NM_001193376.3); short protein forms D718N.
Identifiers: ClinVar variation 1433750 (VCV001433750.11), dbSNP rs1579574994, ClinGen allele CA359079665.
Genomic context (GRCh38, chr5:1,278,775, plus strand): 5'-TGTTCTGGGGTTTGATGATGCTGGCGATGACCTCCGTGAGCCTGTCCTGGGGGATGGTGT[C>T]GTACGCGCCCGTCACATCCACCTGTGTGAGTGGAGGCGAGGAGACTGACAGTGGCCACGC-3'
Protein context (NP_937983.2, residues 708-728): FVKVDVTGAY[Asp718Asn]TIPQDRLTEV